The following is an entry in ClinVar:

ClinVar aggregate classification (germline): Uncertain significance (1 of 4 stars; one submission).

Conditions:
Inborn genetic diseases. Identifiers: MedGen C0950123, MeSH D030342.

Submission:

Ambry Genetics
Classification: Uncertain significance for Inborn genetic diseases. Last evaluated: 2025-02-18. Review status: criteria provided, single submitter. Criteria: Ambry Variant Classification Scheme 2023. Collection method: clinical testing. Allele origin: germline.
Comment: The p.D1632N variant (also known as c.4894G>A), located in coding exon 20 of the FANCM gene, results from a G to A substitution at nucleotide position 4894. The aspartic acid at codon 1632 is replaced by asparagine, an amino acid with highly similar properties. This amino acid position is conserved. In addition, this alteration is predicted to be tolerated by in silico analysis. Based on the available evidence, the clinical significance of this variant remains unclear.

NM_020937.4(FANCM):c.4894G>A (p.Asp1632Asn)

Gene: FANCM (FA complementation group M; plus strand). Cytogenetic location: 14q21.2.
Variant type: single nucleotide variant.
Coding change: c.4894G>A on transcript NM_020937.4 (MANE Select); coding-DNA position 4894, G replaced by A.
Protein change: p.Asp1632Asn; replaces aspartic acid 1632 with asparagine.
Molecular consequence: missense variant.
Genome position (GRCh38, 1-based): chr14:45,188,916, G>A. VCF-style: chr14-45188916-G-A. GRCh37 (hg19) VCF-style: chr14-45658119-G-A.
Other names: c.4816G>A, p.Asp1606Asn (NM_001308133.2); short protein forms D1632N, D1606N.
Identifiers: ClinVar variation 3848739 (VCV003848739.1).